The following is an entry in ClinVar:

NM_001010867.4(IBA57):c.304G>C (p.Val102Leu)

Gene: IBA57 (iron-sulfur cluster assembly factor IBA57; plus strand). Cytogenetic location: 1q42.13.
Variant type: single nucleotide variant.
Coding change: c.304G>C on transcript NM_001010867.4 (MANE Select); coding-DNA position 304, G replaced by C.
Protein change: p.Val102Leu; replaces valine 102 with leucine.
Molecular consequence: missense variant.
Genome position (GRCh38, 1-based): chr1:228,166,120, G>C. VCF-style: chr1-228166120-G-C. GRCh37 (hg19) VCF-style: chr1-228353821-G-C.
Other names: short protein forms V102L.
Identifiers: ClinVar variation 1370283 (VCV001370283.8), dbSNP rs753218907, ClinGen allele CA345106603.

ClinVar aggregate classification (germline): Uncertain significance (1 of 4 stars; one submission).

Conditions:
Multiple mitochondrial dysfunctions syndrome 3 (MMDS3). Identifiers: Orphanet 363424, MedGen C3809165, MONDO:0014132, OMIM 615330.
Hereditary spastic paraplegia 74. Also called: Spastic paraplegia 74, autosomal recessive. Identifiers: Orphanet 468661, MedGen C5568837, MONDO:0014644, OMIM 616451.

Allele frequency attached by ClinVar (database versions not stated): gnomAD 0.00003.
gnomAD v4.1: 10 of 1,536,188 alleles (0.00065%); highest among the groups gnomAD compares: Non-Finnish European, 0.00087%; no homozygotes.

Submission:

Labcorp Genetics (formerly Invitae), Labcorp
Classification: Uncertain significance for Multiple mitochondrial dysfunctions syndrome 3; Hereditary spastic paraplegia 74. Last evaluated: 2022-06-05. Review status: criteria provided, single submitter. Criteria: Invitae Variant Classification Sherloc (09022015). Collection method: clinical testing. Allele origin: germline.
Comment: Algorithms developed to predict the effect of missense changes on protein structure and function (SIFT, PolyPhen-2, Align-GVGD) all suggest that this variant is likely to be tolerated. This sequence change replaces valine, which is neutral and non-polar, with leucine, which is neutral and non-polar, at codon 102 of the IBA57 protein (p.Val102Leu). This variant is present in population databases (no rsID available, gnomAD 0.007%). This variant has not been reported in the literature in individuals affected with IBA57-related conditions. ClinVar contains an entry for this variant (Variation ID: 1370283). In summary, the available evidence is currently insufficient to determine the role of this variant in disease. Therefore, it has been classified as a Variant of Uncertain Significance.